The following is an entry in ClinVar:

ClinVar aggregate classification (germline): Conflicting classifications of pathogenicity. Review status: criteria provided, conflicting classifications (1 of 4 stars). 7 submissions from 7 submitters: Pathogenic (1); Likely pathogenic (5); Uncertain significance (1). Last evaluated 2026-06-10.

Conditions:
Cardiovascular phenotype. Identifiers: MedGen CN230736.
Dilated cardiomyopathy 1G (CMD1G). Identifiers: Orphanet 154, MedGen C1858763, MONDO:0011400, OMIM 604145.
Autosomal recessive limb-girdle muscular dystrophy type 2J (LGMDR10). Also called: MUSCULAR DYSTROPHY, LIMB-GIRDLE, AUTOSOMAL RECESSIVE 10; Limb-girdle muscular dystrophy, type 2J. Identifiers: Orphanet 140922, MedGen C1837342, MONDO:0012127, OMIM 608807.
TTN-related disorder. Also called: TTN-related condition; TTN-related disease; TTN-related disorders.
Early-onset myopathy with fatal cardiomyopathy (CMYO5). Also called: CONGENITAL MYOPATHY 5 WITH CARDIOMYOPATHY; Salih Myopathy. Identifiers: Orphanet 289377, MedGen C2673677, MONDO:0012714, OMIM 611705. Disease mechanism: loss of function.
Hypertrophic cardiomyopathy 9. Also called: Familial hypertrophic cardiomyopathy 9. Identifiers: MedGen C1861065, MONDO:0013412, OMIM 613765.
Tibial muscular dystrophy (TMD). Also called: Udd Distal Myopathy – Tibial Muscular Dystrophy; UDD MYOPATHY; Tibial muscular dystrophy, tardive. Identifiers: Orphanet 609, MedGen C1838244, MONDO:0010870, OMIM 600334.
Myopathy, myofibrillar, 9, with early respiratory failure (MFM9). Also called: EDSTROM MYOPATHY; Myopathy, distal, with early respiratory failure, autosomal dominant; MYOPATHY, PROXIMAL, WITH EARLY RESPIRATORY MUSCLE INVOLVEMENT; Hereditary myopathy with early respiratory failure. Identifiers: Orphanet 178464, Orphanet 34521, MedGen C1863599, MONDO:0011362, OMIM 603689.
Primary dilated cardiomyopathy (DCM). Also called: Dilated Cardiomyopathy. Identifiers: Orphanet 217604, MedGen C0007193, MeSH D002311, MONDO:0005021, HP:0001644. Inheritance: Various modes of inheritance.

Submissions (7):

PreventionGenetics, part of Exact Sciences
Classification: Pathogenic for TTN-related condition. Last evaluated: 2026-06-10. Review status: criteria provided, single submitter. Criteria: ACMG Guidelines, 2015. Collection method: clinical testing. Allele origin: germline.
Comment: The TTN c.13614dupT variant is predicted to result in premature protein termination (p.Asn4539*). On an alternate transcript NM_133437 this variant is also referred to as c.13101dup (p.Asn4368*). This variant has been reported in individuals with dilated cardiomyopathy (described as NM_133437 c.13102_13103insT in Table S6, Haas et al. 2014. PubMed ID: 25163546; Table S9, McGurk et al. 2023. PubMed ID: 37652022). This variant is located in the TTN protein I-band region. RNAseq studies from heart tissue indicate this exon is commonly included in TTN mRNA transcripts (PSI of 100%, Roberts et al. 2015. PubMed ID: 25589632). TTN loss-of-function variants occurring in constitutively expressed exons (PSI > 90%) are more likely to be disease causing for TTN cardiac-related disorders regardless of band location (Roberts et al. 2015. PubMed ID: 25589632; Schafer et al. 2017 PubMed ID: 27869827; Akhtar et al. 2020. PubMed ID: 32964742). Many cases of recessive TTN-related myopathies in which the individual is compound heterozygous for two loss-of-function variants in TTN have also been reported (Ge et al. 2019. PubMed ID: 31053406; Oates et al. 2018. PubMed ID: 29691892; Rees et al. 2021. PubMed ID: 33449170). In summary, this variant is categorized as pathogenic. Of note, this variant is considered pathogenic for increased risk of TTN-related cardiac disorders, and also for autosomal recessive TTN-related congenital titinopathies.

GeneDx
Classification: Likely pathogenic. Last evaluated: 2026-02-26. Review status: criteria provided, single submitter. Criteria: GeneDx Variant Classification Process June 2021. Collection method: clinical testing. Allele origin: germline.
Comment: Located in a specific region of the I-band within TTN for which truncating variants are significantly associated with autosomal dominant cardiomyopathy and also with autosomal recessive skeletal myopathies (PMID: 27625338, 27869827, 32778822); Identified in patients with a personal and/or family history of DCM in published literature (PMID: 25163546, 31376648, 32371228, 37652022); Not observed at significant frequency in large population cohorts (gnomAD); This variant is associated with the following publications: (PMID: 25163546, 32371228, 37652022, 27625338, 27869827, 32778822, 31376648)

Labcorp Genetics (formerly Invitae), Labcorp
Classification: Likely pathogenic for Dilated cardiomyopathy 1G; Autosomal recessive limb-girdle muscular dystrophy type 2J. Last evaluated: 2025-11-03. Review status: criteria provided, single submitter. Criteria: Invitae Variant Classification Sherloc (09022015). Collection method: clinical testing. Allele origin: germline.
Comment: This sequence change creates a premature translational stop signal (p.Asn4539*) in the TTN gene. While this is not anticipated to result in nonsense mediated decay, it is expected to create a truncated TTN protein. This variant is not present in population databases (gnomAD no frequency). This variant has not been observed in the literature in individuals with autosomal recessive TTN-related conditions. This variant has been reported in individual(s) with autosomal dominant dilated cardiomyopathy (PMID: 25163546, 32371228, 37652022; internal data); however, the role of the variant in this condition is currently unclear. This variant is also known as c.13102_13103insT (p.N4368_V4369delinsX) and p.Asn4176*. ClinVar contains an entry for this variant (Variation ID: 228310). This variant is located in the I band of TTN (PMID: 25589632). Truncating variants in this region have been reported in individuals affected with autosomal recessive centronuclear myopathy (PMID: 23975875, internal data). Truncating variants in this region have also been identified in individuals affected with autosomal dominant dilated cardiomyopathy and/or cardio-related conditions (PMID: 27869827, 32964742, internal data). In summary, the currently available evidence indicates that the variant is pathogenic, but additional data are needed to prove that conclusively. Therefore, this variant has been classified as Likely Pathogenic.

Ambry Genetics
Classification: Likely pathogenic for Cardiovascular phenotype. Last evaluated: 2025-09-16. Review status: criteria provided, single submitter. Criteria: Ambry Variant Classification Scheme 2023. Collection method: clinical testing. Allele origin: germline.
Comment: The c.12525dupT alteration, located in exon 45 (coding exon 44) of the TTN gene, consists of a duplication of T at position 12525, causing a translational frameshift with a predicted alternate stop codon after amino acids. This alteration is expected to result in loss of function by premature protein truncation or nonsense-mediated mRNA decay. This variant was not reported in population-based cohorts in the Genome Aggregation Database (gnomAD). This variant (referred to as c.13102_13103insT, p.N4368_V4369delinsX) has been detected in a dilated cardiomyopathy (DCM) cohort (Haas, 2015). This exon is located in the I-band region of the N2-B isoform of the titin protein and is constitutively expressed in TTN transcripts (percent spliced in or PSI 100%). While truncating variants in TTN are present in 1-3% of the general population, truncating variants in the A-band are the most common cause of dilated cardiomyopathy (Herman, 2012; Roberts, 2015). TTN truncating variants encoded in constitutive exons (PSI >90%) have been found to be significantly associated with DCM regardless of their position in titin (Schafer, 2017; Akhtar, 2020; Massier, 2025). Based on the available evidence, this alteration is classified as likely pathogenic.

Fulgent Genetics
Classification: Uncertain significance for Tibial muscular dystrophy; Myopathy, myofibrillar, 9, with early respiratory failure; Dilated cardiomyopathy 1G; Autosomal recessive limb-girdle muscular dystrophy type 2J; Early-onset myopathy with fatal cardiomyopathy; Hypertrophic cardiomyopathy 9. Last evaluated: 2024-03-04. Review status: criteria provided, single submitter. Criteria: ACMG Guidelines, 2015. Collection method: clinical testing. Allele origin: germline.

Laboratory for Molecular Medicine, Mass General Brigham Personalized Medicine
Classification: Likely pathogenic for Primary dilated cardiomyopathy. Last evaluated: 2015-04-18. Review status: criteria provided, single submitter. Criteria: LMM Criteria. Collection method: clinical testing. Allele origin: germline. Observed: 1 variant allele.
Comment: The p.Asn4301X variant in TTN has not been previously reported in individuals wi th cardiomyopathy or in large population studies. This nonsense variant leads to a premature termination codon at position 4301 (located in the I-band), which i s predicted to lead to a truncated or absent protein. Nonsense and other truncat ing variants in TTN are strongly associated with DCM if they are located in the exons encoding for the A-band (Herman 2012, Pugh 2014) and/or are located in an exon that is highly expressed in the heart (Roberts 2015). This variant is locat ed in such a highly expressed exon in the I-band. In summary, although additiona l studies are required to fully establish its clinical significance, the Asn4301 X variant is likely pathogenic.

Clinical Genetics Service, Universitary Hospital 12 de Octubre
Classification: Likely pathogenic for Dilated cardiomyopathy 1G. Review status: criteria provided, single submitter. Criteria: ACMG Guidelines, 2015. Collection method: clinical testing. Allele origin: germline. Affected: yes.

Literature cited by the submitters: PubMed 25163546 (cited by Labcorp Genetics (formerly Invitae), Labcorp and Ambry Genetics); PubMed 32371228 (cited by Labcorp Genetics (formerly Invitae), Labcorp); PubMed 37652022 (cited by Labcorp Genetics (formerly Invitae), Labcorp); PubMed 25589632 (cited by Labcorp Genetics (formerly Invitae), Labcorp and Ambry Genetics); PubMed 23975875 (cited by Labcorp Genetics (formerly Invitae), Labcorp); PubMed 27869827 (cited by Labcorp Genetics (formerly Invitae), Labcorp and Ambry Genetics); PubMed 32964742 (cited by Labcorp Genetics (formerly Invitae), Labcorp and Ambry Genetics); PubMed 22335739 (cited by Ambry Genetics); PubMed 39844436 (cited by Ambry Genetics).

NM_001267550.2(TTN):c.13614dup (p.Asn4539Ter)

Gene: TTN (titin; minus strand). Cytogenetic location: 2q31.2.
Variant type: Duplication.
Coding change: c.13614dup on transcript NM_001267550.2 (MANE Select); coding-DNA position 13614, one base duplicated (T; older notation c.13614dupT).
Protein change: p.Asn4539Ter; replaces asparagine 4539 with a stop codon.
Molecular consequence: nonsense (on NM_133432.3).
Genome position (GRCh38, 1-based): chr2:178,739,619, A duplicated on the plus strand (T on the coding strand, the reverse complement: TTN is on the minus strand); the first of 4 consecutive A bases (chr2:178,739,619-178,739,622); duplicating any one gives the same sequence. VCF-style (leftmost placement, unchanged base first): chr2-178739618-T-TA. GRCh37 (hg19) VCF-style: chr2-179604345-T-TA.
Other names: NM_133432.3:c.12900dupT; p.Asn4301X; c.12900_12901insT (NM_133432.3); c.12525dupT (NM_003319.4); c.12663dup, p.Asn4222Ter (NM_001256850.1); c.12525dup, p.Asn4176Ter (NM_003319.4); c.12900dup, p.Asn4301Ter (NM_133432.3); c.13101dup, p.Asn4368Ter (NM_133437.4); and 3 more; short protein forms N4301*, N4368*, N4539*, N4176*, N4222*.
Identifiers: ClinVar variation 228310 (VCV000228310.21), dbSNP rs876657673, ClinGen allele CA10576559.
Genomic context (GRCh38, chr2:178,739,618, plus strand): 5'-CTGAAGCAACCCCTTTAGTGACAGGTGTGGCATCCAAATATTTAACCCTACTTTGCACGT[T>TA]AAAATAACTGACCTCTTCAGTTGAGATCAGATATTTAGATTCAACTTCTGGTTCAGTAAT-3'